The following is an entry in ClinVar:

NM_002693.3(POLG):c.2909A>C (p.Asn970Thr)

Gene: POLG (DNA polymerase gamma, catalytic subunit; minus strand). Cytogenetic location: 15q26.1.
Variant type: single nucleotide variant.
Coding change: c.2909A>C on transcript NM_002693.3 (MANE Select); coding-DNA position 2909, A replaced by C.
Protein change: p.Asn970Thr; replaces asparagine 970 with threonine.
Molecular consequence: missense variant.
Genome position (GRCh38, 1-based): chr15:89,320,838, T>G on the plus strand (A>C on the coding strand, the complement: POLG is on the minus strand). VCF-style: chr15-89320838-T-G. GRCh37 (hg19) VCF-style: chr15-89864069-T-G.
Other names: c.2909A>C, p.Asn970Thr (NM_001126131.2); short protein forms N970T.
Identifiers: ClinVar variation 4281897 (VCV004281897.2).

ClinVar aggregate classification (germline): Uncertain significance (1 of 4 stars; one submission).

Submission:

GeneDx
Classification: Uncertain significance. Last evaluated: 2026-03-02. Review status: criteria provided, single submitter. Criteria: GeneDx Variant Classification Process June 2021. Collection method: clinical testing. Allele origin: germline.
Comment: Not observed at significant frequency in large population cohorts (gnomAD); In silico analysis supports that this missense variant has a deleterious effect on protein structure/function; Has not been previously published as pathogenic or benign to our knowledge